The following is an entry in ClinVar:

ClinVar aggregate classification (germline): Uncertain significance. Review status: criteria provided, multiple submitters, no conflicts (2 of 4 stars). 2 submissions from 2 submitters: Uncertain significance (2). Last evaluated 2025-05-14.

Submissions (2):

GeneDx
Classification: Uncertain significance. Last evaluated: 2025-05-14. Review status: criteria provided, single submitter. Criteria: GeneDx Variant Classification Process June 2021. Collection method: clinical testing. Allele origin: germline. Affected: yes.
Comment: Intronic splice variant including +5 site in a gene for which loss-of-function is a known mechanism of disease, and both splice predictors and evolutionary conservation support a deleterious effect, although in the absence of functional evidence the actual effect of this sequence change is unknown; Not observed at significant frequency in large population cohorts (gnomAD); Has not been previously published as pathogenic or benign to our knowledge

Blueprint Genetics
Classification: Uncertain significance. Last evaluated: 2023-04-14. Review status: criteria provided, single submitter. Criteria: ACMG Guidelines, 2015. Collection method: clinical testing. Allele origin: germline.

NM_004115.4(FGF14):c.304+3_304+6del

Gene: FGF14 (fibroblast growth factor 14; minus strand). Cytogenetic location: 13q33.1.
Variant type: Deletion.
Coding change: c.304+3_304+6del on transcript NM_004115.4 (MANE Select); bases 3 to 6 of the intron after coding-DNA position 304, 4 bases deleted (AAGT; older notation c.304+3_304+6delAAGT).
Molecular consequence: splice donor variant. On other transcripts: intron variant (1).
Genome position (GRCh38, 1-based): chr13:101,875,180-101,875,183, ACTT deleted on the plus strand (AAGT on the coding strand, the reverse complement: FGF14 is on the minus strand); deleting any 4 consecutive bases within chr13:101,875,180-101,875,186 gives the same sequence; the c. name uses the placement nearest the transcript's 3' end. VCF-style (leftmost placement, unchanged base first): chr13-101875179-CACTT-C. GRCh37 (hg19) VCF-style: chr13-102527529-CACTT-C.
Other names: c.163+3_163+6del (NM_001321947.2); c.202+3_202+6del (NM_001379342.1, NM_001321948.2, NM_001321945.2); c.52+3_52+6del (NM_001321946.2, NM_001321949.1, NM_001321943.1 and 4 more transcripts); c.124+3_124+6del (NM_001321938.2, NM_001321940.1, NM_001321933.1); c.209-6355_209-6352del (NM_001321939.2); c.319+3_319+6del (NM_175929.3, NM_001321937.2); c.118+3_118+6del (NM_001321941.2); c.115+3_115+6del (NM_001321944.1, NM_001321936.1, NM_001321932.1).
Identifiers: ClinVar variation 4529683 (VCV004529683.2).
Genomic context (GRCh38, chr13:101,875,179, plus strand): 5'-AAAGTCATTTAAGTAGCAGTGTATCTTCTACCAACTATGTAACTGGTGGCCTGAGGTTGT[CACTT>C]ACTAGAATTAGTGCTGTCATCCTTGGTTCCATCGAGAGCTCCATCGGGGTGCATTTGCAA-3'